The following is an entry in ClinVar:

ClinVar aggregate classification (germline): Likely pathogenic (1 of 4 stars; one submission).

Conditions:
Arthrogryposis multiplex congenita 6. Identifiers: MedGen C5543431, MONDO:0030281, OMIM 619334.
Nemaline myopathy 2 (NEM2). Also called: Nemaline myopathy 2, autosomal recessive. Identifiers: MedGen C1850569, MONDO:0009725, OMIM 256030.

Submission:

Juno Genomics, Hangzhou Juno Genomics, Inc
Classification: Likely pathogenic for Arthrogryposis multiplex congenita 6; Nemaline myopathy 2. Review status: criteria provided, single submitter. Criteria: ACMG Guidelines, 2015. Collection method: clinical testing. Allele origin: germline.
Comment: Null variant in a gene where loss of function (LOF) is a known mechanism of disease.;Absent from controls (or at extremely low frequency if recessive) in Genome Aggregation Database.

NM_001164508.2(NEB):c.24874-1G>C

Genes: NEB (nebulin; minus strand), RIF1 (replication timing regulatory factor 1; plus strand). Cytogenetic location: 2q23.3.
Variant type: single nucleotide variant.
Coding change: c.24874-1G>C on transcript NM_001164508.2 (MANE Select); the canonical splice acceptor site of the intron before coding-DNA position 24874, G replaced by C.
Molecular consequence: splice acceptor variant.
Genome position (GRCh38, 1-based): chr2:151,492,282, C>G on the plus strand (G>C on the coding strand, the complement: NEB is on the minus strand). VCF-style: chr2-151492282-C-G. GRCh37 (hg19) VCF-style: chr2-152348796-C-G.
Other names: c.24874-1G>C (NM_001164507.2); c.24979-1G>C (NM_001271208.2); c.19306-1G>C (NM_004543.5).
Identifiers: ClinVar variation 5006083 (VCV005006083.2).